The following is an entry in ClinVar:

ClinVar aggregate classification (germline): Uncertain significance (1 of 4 stars; one submission).

Conditions:
Dilated cardiomyopathy 2B. Identifiers: Orphanet 154, MedGen C3553409, MONDO:0013848, OMIM 614672.

Allele frequency attached by ClinVar (database versions not stated): gnomAD exomes below 0.00001; TOPMed below 0.00001.
gnomAD v4.1: 1 of 1,251,286 alleles (0.00008%); highest among the groups gnomAD compares: Admixed American, 0.0043%; no homozygotes.

Submission:

Labcorp Genetics (formerly Invitae), Labcorp
Classification: Uncertain significance for Dilated cardiomyopathy 2B. Last evaluated: 2025-09-23. Review status: criteria provided, single submitter. Criteria: Invitae Variant Classification Sherloc (09022015). Collection method: clinical testing. Allele origin: germline.
Comment: This sequence change replaces alanine, which is neutral and non-polar, with valine, which is neutral and non-polar, at codon 62 of the GATAD1 protein (p.Ala62Val). This variant is not present in population databases (gnomAD no frequency). This variant has not been reported in the literature in individuals affected with GATAD1-related conditions. ClinVar contains an entry for this variant (Variation ID: 567498). An algorithm developed to predict the effect of missense changes on protein structure and function (PolyPhen-2) suggests that this variant is likely to be tolerated. In summary, the available evidence is currently insufficient to determine the role of this variant in disease. Therefore, it has been classified as a Variant of Uncertain Significance.

NM_021167.5(GATAD1):c.185C>T (p.Ala62Val)

Genes: GATAD1 (GATA zinc finger domain containing 1; plus strand), LOC129998793 (ATAC-STARR-seq lymphoblastoid silent region 18371; plus strand). Cytogenetic location: 7q21.2.
Variant type: single nucleotide variant.
Coding change: c.185C>T on transcript NM_021167.5 (MANE Select); coding-DNA position 185, C replaced by T.
Protein change: p.Ala62Val; replaces alanine 62 with valine.
Molecular consequence: missense variant. On other transcripts: non-coding transcript variant (1).
Genome position (GRCh38, 1-based): chr7:92,447,914, C>T. VCF-style: chr7-92447914-C-T. GRCh37 (hg19) VCF-style: chr7-92077228-C-T.
Other names: short protein forms A62V.
Identifiers: ClinVar variation 567498 (VCV000567498.9), dbSNP rs1562816344, ClinGen allele CA368155565.